The following is an entry in ClinVar:

ClinVar aggregate classification (germline): Pathogenic. Review status: criteria provided, multiple submitters, no conflicts (2 of 4 stars). 3 submissions from 3 submitters: Pathogenic (2). 1 of the submissions does not count toward it. Last evaluated 2025-07-09.

Conditions:
Neurofibromatosis, type 1 (NF1). Also called: VON RECKLINGHAUSEN DISEASE; Neurofibromatosis, type I; Peripheral type neurofibromatosis; NEUROFIBROMATOSIS, TYPE I, SOMATIC. Identifiers: Orphanet 636, MedGen C0027831, MONDO:0018975, OMIM 162200. Disease mechanism: loss of function.
Neurofibroma. Identifiers: Orphanet 252183, MedGen C0027830, MeSH D009455, MONDO:0016755, HP:0001067.

gnomAD v4.1: 1 of 1,613,272 alleles (0.000062%); highest among the groups gnomAD compares: Non-Finnish European, 0.000085%; no homozygotes.

Submissions (3):

GeneDx
Classification: Pathogenic. Last evaluated: 2025-07-09. Review status: criteria provided, single submitter. Criteria: GeneDx Variant Classification Process June 2021. Collection method: clinical testing. Allele origin: germline.
Comment: Published RNA studies demonstrate aberrant splicing leading to in-frame loss of an exon in a gene for which loss of function is a known mechanism of disease (PMID: 34868260); Not observed at significant frequency in large population cohorts (gnomAD); In silico analysis supports that this variant does not alter splicing; This variant is associated with the following publications: (PMID: 34868260, 27074763, 40417234)

Labcorp Genetics (formerly Invitae), Labcorp
Classification: Pathogenic for Neurofibromatosis, type 1. Last evaluated: 2023-06-09. Review status: criteria provided, single submitter. Criteria: Invitae Variant Classification Sherloc (09022015). Collection method: clinical testing. Allele origin: germline.
Comment: This sequence change affects codon 2265 of the NF1 mRNA. It is a 'silent' change, meaning that it does not change the encoded amino acid sequence of the NF1 protein. RNA analysis indicates that this variant induces altered splicing and likely results in a shortened protein product. This variant is not present in population databases (gnomAD no frequency). This variant has been observed in individual(s) with neurofibromatosis type 1 (PMID: 34868260). In at least one individual the variant was observed to be de novo. ClinVar contains an entry for this variant (Variation ID: 1301408). Studies have shown that this variant results in skipping of exon 45, but is expected to preserve the integrity of the reading-frame (PMID: 34868260). This variant disrupts a region of the NF1 protein in which other variant(s) (p.Thr2273_Gln2281del) have been determined to be pathogenic (PMID: 34868260). This suggests that this is a clinically significant region of the protein, and that variants that disrupt it are likely to be disease-causing. For these reasons, this variant has been classified as Pathogenic.

Laboratory of Reproductive Genetics, Women’s Hospital, School of Medicine, Zhejiang University
Classification: Likely pathogenic for Neurofibroma. Review status: no assertion criteria provided. Collection method: clinical testing. Allele origin: de novo. Affected: yes. Not counted in ClinVar's aggregate classification.

Literature cited by the submitters: PubMed 34868260 (cited by Labcorp Genetics (formerly Invitae), Labcorp); PubMed 27074763 (cited by Laboratory of Reproductive Genetics, Women’s Hospital, School of Medicine, Zhejiang University).

NM_001042492.3(NF1):c.6858C>T (p.Asn2286=)

Gene: NF1 (neurofibromin 1; plus strand). Cytogenetic location: 17q11.2.
Variant type: single nucleotide variant.
Coding change: c.6858C>T on transcript NM_001042492.3 (MANE Select); coding-DNA position 6858, C replaced by T.
Protein change: p.Asn2286=; no amino-acid change (asparagine 2286 retained).
Molecular consequence: synonymous variant.
Genome position (GRCh38, 1-based): chr17:31,338,742, C>T. VCF-style: chr17-31338742-C-T. GRCh37 (hg19) VCF-style: chr17-29665760-C-T.
Other names: c.6795C>T, p.Asn2265= (NM_000267.4).
Identifiers: ClinVar variation 1301408 (VCV001301408.7), dbSNP rs2151559216, ClinGen allele CA499234342.